The following is an entry in ClinVar:

ClinVar aggregate classification (germline): Conflicting classifications of pathogenicity. Review status: criteria provided, conflicting classifications (1 of 4 stars). 7 submissions from 7 submitters: Pathogenic (4); Uncertain significance (1). 2 of the submissions do not count toward it. Last evaluated 2025-07-10.

Conditions:
Autosomal dominant nonsyndromic hearing loss 65. Also called: TBC1D24-Related Autosomal Dominant Nonsyndromic Hearing Loss (DFNA); Deafness, autosomal dominant 65. Identifiers: Orphanet 90635, MedGen C3892048, MONDO:0014470, OMIM 616044.
Developmental and epileptic encephalopathy, 1 (DEE1). Also called: X-linked infantile spasms; West's syndrome; Tonic spasms with clustering, arrest of psychomotor development and hypsarrhythmia on EEG; X-Linked Infantile Spasm Syndrome; OHTAHARA SYNDROME, X-LINKED; INFANTILE SPASM SYNDROME, X-LINKED 1. Identifiers: MedGen C3463992, MONDO:0010632, OMIM 308350. Disease mechanism: loss of function.
DOORS syndrome (DOORS). Also called: DOORS Syndrome (Deafness, Onychodystrophy, Osteodystrophy, Mental Retardation, and Seizures); DEAFNESS, ONYCHODYSTROPHY, OSTEODYSTROPHY, IMPAIRED INTELLECTUAL DEVELOPMENT, AND SEIZURES SYNDROME; DRC SYNDROME; BRACHYDACTYLY DUE TO ABSENCE OF DISTAL PHALANGES; ERONEN SYNDROME; DOOR SYNDROME. Identifiers: Orphanet 3231, Orphanet 79500, MedGen C0795934, MONDO:0009079, OMIM 220500. Disease mechanism: loss of function.

Allele frequency attached by ClinVar (database versions not stated): ExAC 0.00002; gnomAD exomes 0.00001; TOPMed 0.00001.
gnomAD v4.1: 22 of 1,613,780 alleles (0.0014%); highest among the groups gnomAD compares: Non-Finnish European, 0.0016%; no homozygotes.

Submissions (7):

Labcorp Genetics (formerly Invitae), Labcorp
Classification: Pathogenic for Developmental and epileptic encephalopathy, 1; Autosomal dominant nonsyndromic hearing loss 65. Last evaluated: 2025-07-10. Review status: criteria provided, single submitter. Criteria: Invitae Variant Classification Sherloc (09022015). Collection method: clinical testing. Allele origin: germline.
Comment: This sequence change replaces arginine, which is basic and polar, with cysteine, which is neutral and slightly polar, at codon 40 of the TBC1D24 protein (p.Arg40Cys). This variant is present in population databases (rs398122966, gnomAD 0.003%). This missense change has been observed in individual(s) with DOORS syndrome (PMID: 24291220). In at least one individual the data is consistent with being in trans (on the opposite chromosome) from a pathogenic variant. ClinVar contains an entry for this variant (Variation ID: 91396). Invitae Evidence Modeling of protein sequence and biophysical properties (such as structural, functional, and spatial information, amino acid conservation, physicochemical variation, residue mobility, and thermodynamic stability) indicates that this missense variant is expected to disrupt TBC1D24 protein function with a positive predictive value of 95%. Experimental studies have shown that this missense change affects TBC1D24 function (PMID: 27669036, 31257402). This variant disrupts the p.Arg40 amino acid residue in TBC1D24. Other variant(s) that disrupt this residue have been determined to be pathogenic (PMID: 24291220; internal data). This suggests that this residue is clinically significant, and that variants that disrupt this residue are likely to be disease-causing. For these reasons, this variant has been classified as Pathogenic.

GeneDx
Classification: Pathogenic. Last evaluated: 2020-04-14. Review status: criteria provided, single submitter. Criteria: GeneDx Variant Classification Process June 2021. Collection method: clinical testing. Allele origin: germline. Affected: yes.
Comment: Published in vivo functional studies of transgenic flies demonstrate reduced diffusion of Sky in presynaptic terminals, impaired trafficking of synaptic vesicles, and behavioral deficits, and in vitro functional studies demonstrate reduced binding to phosphatidylinositol 4,5-bisphosphate containing liposomes, and decreased affinity for IP3 (Fischer et al., 2016; Luthy et al., 2019); Not observed at a significant frequency in large population cohorts (Lek et al., 2016); In silico analysis supports that this missense variant has a deleterious effect on protein structure/function; This variant is associated with the following publications: (PMID: 27669036, 25169651, 31257402, 24291220)

Blueprint Genetics
Classification: Uncertain significance. Last evaluated: 2018-11-06. Review status: criteria provided, single submitter. Criteria: ACMG Guidelines, 2015. Collection method: clinical testing. Allele origin: germline.

Lupski Lab, Baylor-Hopkins CMG, Baylor College of Medicine
Classification: Pathogenic for DOORS syndrome. Last evaluated: 2014-01-01. Review status: criteria provided, single submitter. Criteria: Campeau et al. (Lancet Neurol 2014). Collection method: research. Allele origin: germline. Inheritance: Autosomal recessive inheritance. Affected: yes and no. Observed: 2 variant alleles, 1 heterozygote, 1 compound heterozygote.
Comment: We identified 26 families with DOORS syndrome; each patient had at least 3 of the 5 well-described features of DOORS syndrome, which include deafness, onychodystrophy, osteodystrophy, intellectual disability, and seizures. A combination of whole-exome sequencing and Sanger sequencing identified homozygous or compound heterozygous pathogenic variants in TBC1D24 in 11 individuals from 9 families.

Juno Genomics, Hangzhou Juno Genomics, Inc
Classification: Pathogenic for DOORS syndrome. Review status: criteria provided, single submitter. Criteria: ACMG Guidelines, 2015. Collection method: clinical testing. Allele origin: germline.
Comment: Absent from controls (or at extremely low frequency if recessive) in Genome Aggregation Database.;Multiple lines of computational evidence support a deleterious effect on the gene or gene product.;Novel missense change at an amino acid residue where a different missense change determined to be pathogenic has been seen before.;For recessive disorders, detected in trans with a pathogenic variant.;Patient's phenotype or family history is highly specific for a disease with a single genetic etiology.

Division of Medical Genetics; Sainte-Justine Hospital
Classification: Pathogenic for DOORS. Last evaluated: 2014-12-22. Review status: no assertion criteria provided. Collection method: literature only. Allele origin: germline. Affected: yes. Not counted in ClinVar's aggregate classification.

OMIM
Classification: Pathogenic for DEAFNESS, ONYCHODYSTROPHY, OSTEODYSTROPHY, IMPAIRED INTELLECTUAL DEVELOPMENT, AND SEIZURES SYNDROME. Last evaluated: 2014-01-01. Review status: no assertion criteria provided. Collection method: literature only. Allele origin: germline. Not counted in ClinVar's aggregate classification.

Literature cited by the submitters: PubMed 24291220 (cited by Labcorp Genetics (formerly Invitae), Labcorp and OMIM); PubMed 27669036 (cited by Labcorp Genetics (formerly Invitae), Labcorp); PubMed 31257402 (cited by Labcorp Genetics (formerly Invitae), Labcorp); PubMed 25169651 (cited by Lupski Lab, Baylor-Hopkins CMG, Baylor College of Medicine); PubMed 25719194 (cited by Lupski Lab, Baylor-Hopkins CMG, Baylor College of Medicine).

NM_001199107.2(TBC1D24):c.118C>T (p.Arg40Cys)

Gene: TBC1D24 (TBC1 domain family member 24; plus strand). Cytogenetic location: 16p13.3.
Variant type: single nucleotide variant.
Coding change: c.118C>T on transcript NM_001199107.2 (MANE Select); coding-DNA position 118, C replaced by T.
Protein change: p.Arg40Cys; replaces arginine 40 with cysteine.
Molecular consequence: missense variant.
Genome position (GRCh38, 1-based): chr16:2,496,266, C>T. VCF-style: chr16-2496266-C-T. GRCh37 (hg19) VCF-style: chr16-2546267-C-T.
Other names: c.118C>T, p.Arg40Cys (NM_020705.3); short protein forms R40C.
Identifiers: ClinVar variation 91396 (VCV000091396.14), dbSNP rs398122966, ClinGen allele CA345418.